The following is an entry in ClinVar:

ClinVar aggregate classification (germline): Uncertain significance (1 of 4 stars; one submission).

Allele frequency attached by ClinVar (database versions not stated): gnomAD exomes below 0.00001.

Submission:

Labcorp Genetics (formerly Invitae), Labcorp
Classification: Uncertain significance. Last evaluated: 2025-03-25. Review status: criteria provided, single submitter. Criteria: Invitae Variant Classification Sherloc (09022015). Collection method: clinical testing. Allele origin: germline.
Comment: This sequence change replaces lysine, which is basic and polar, with arginine, which is basic and polar, at codon 248 of the A2ML1 protein (p.Lys248Arg). This variant is not present in population databases (gnomAD no frequency). This variant has not been reported in the literature in individuals affected with A2ML1-related conditions. ClinVar contains an entry for this variant (Variation ID: 1985250). An algorithm developed to predict the effect of missense changes on protein structure and function (PolyPhen-2) suggests that this variant is likely to be disruptive. In summary, the available evidence is currently insufficient to determine the role of this variant in disease. Therefore, it has been classified as a Variant of Uncertain Significance.

NM_144670.6(A2ML1):c.743A>G (p.Lys248Arg)

Gene: A2ML1 (alpha-2-macroglobulin like 1; plus strand). Cytogenetic location: 12p13.31.
Variant type: single nucleotide variant.
Coding change: c.743A>G on transcript NM_144670.6 (MANE Select); coding-DNA position 743, A replaced by G.
Protein change: p.Lys248Arg; replaces lysine 248 with arginine.
Molecular consequence: missense variant.
Genome position (GRCh38, 1-based): chr12:8,837,454, A>G. VCF-style: chr12-8837454-A-G. GRCh37 (hg19) VCF-style: chr12-8990050-A-G.
Other names: short protein forms K248R.
Identifiers: ClinVar variation 1985250 (VCV001985250.4), dbSNP rs2539206937, ClinGen allele CA383822742.